The following is an entry in ClinVar:

NM_007098.4(CLTCL1):c.4285C>T (p.Arg1429Trp)

Gene: CLTCL1 (clathrin heavy chain like 1; minus strand). Cytogenetic location: 22q11.21.
Variant type: single nucleotide variant.
Coding change: c.4285C>T on transcript NM_007098.4 (MANE Select); coding-DNA position 4285, C replaced by T.
Protein change: p.Arg1429Trp; replaces arginine 1429 with tryptophan.
Molecular consequence: missense variant.
Genome position (GRCh38, 1-based): chr22:19,191,342, G>A on the plus strand (C>T on the coding strand, the complement: CLTCL1 is on the minus strand). VCF-style: chr22-19191342-G-A. GRCh37 (hg19) VCF-style: chr22-19178854-G-A.
Other names: c.4285C>T, p.Arg1429Trp (NM_001835.4); short protein forms R1429W.
Identifiers: ClinVar variation 422195 (VCV000422195.2), dbSNP rs190366603, ClinGen allele CA10097791.

ClinVar aggregate classification (germline): Uncertain significance (1 of 4 stars; one submission).

Allele frequency attached by ClinVar (database versions not stated): gnomAD exomes 0.00007 and 0.00018; ExAC 0.00019; ESP Exome Variant Server 0.00041; 1000 Genomes Project 0.00060; 1000 Genomes Project 30x 0.00062; gnomAD 0.00070 and 0.00077; TOPMed 0.00077.
gnomAD v4.1: 215 of 1,613,958 alleles (0.013%); highest among the groups gnomAD compares: African/African-American, 0.23%; no homozygotes.

Submission:

GeneDx
Classification: Uncertain significance. Last evaluated: 2016-09-29. Review status: criteria provided, single submitter. Criteria: GeneDx Variant Classification (06012015). Collection method: clinical testing. Allele origin: germline. Affected: yes.
Comment: The R1429W variant in the CLTCL1 gene has not been reported previously as a pathogenic variant, nor as a benign variant, to our knowledge. The R1429W variant was not observed with any significant frequency in approximately 6100 individuals of European and African American ancestry in the NHLBI Exome Sequencing Project, indicating it is not a common benign variant in these populations. The R1429W variant is a non-conservative amino acid substitution, which is likely to impact secondary protein structure as these residues differ in polarity, charge, size and/or other properties. This substitution is located in a region involved in binding clathrin light chains and occurs at a position that is conserved across species. In silico analysis predicts this variant is probably damaging to the protein structure/function. Based on this information, we interpret R1429W as a variant of uncertain significance.